The following is an entry in ClinVar:

NM_000784.4(CYP27A1):c.416A>G (p.Gln139Arg)

Gene: CYP27A1 (cytochrome P450 family 27 subfamily A member 1; plus strand). Cytogenetic location: 2q35.
Variant type: single nucleotide variant.
Coding change: c.416A>G on transcript NM_000784.4 (MANE Select); coding-DNA position 416, A replaced by G.
Protein change: p.Gln139Arg; replaces glutamine 139 with arginine.
Molecular consequence: missense variant.
Genome position (GRCh38, 1-based): chr2:218,809,737, A>G. VCF-style: chr2-218809737-A-G. GRCh37 (hg19) VCF-style: chr2-219674460-A-G.
Other names: short protein forms Q139R.
Identifiers: ClinVar variation 1347727 (VCV001347727.7), dbSNP rs1253807962, ClinGen allele CA350583986.

ClinVar aggregate classification (germline): Uncertain significance. Review status: criteria provided, multiple submitters, no conflicts (2 of 4 stars). 3 submissions from 3 submitters: Uncertain significance (3). Last evaluated 2024-12-17.

Conditions:
Cardiovascular phenotype. Identifiers: MedGen CN230736.
Cholestanol storage disease (CTX). Also called: Cerebrotendinous Xanthomatosis; CTX: Cerebrotendinous xanthomatosis; CEREBRAL CHOLESTERINOSIS. Identifiers: Orphanet 909, MedGen C0238052, MONDO:0008948, OMIM 213700.

Allele frequency attached by ClinVar (database versions not stated): TOPMed below 0.00001; gnomAD 0.00001.
gnomAD v4.1: 1 of 1,614,022 alleles (0.000062%); highest among the groups gnomAD compares: African/African-American, 0.0013%; no homozygotes.

Submissions (3):

Ambry Genetics
Classification: Uncertain significance for Cardiovascular phenotype. Last evaluated: 2024-12-17. Review status: criteria provided, single submitter. Criteria: Ambry Variant Classification Scheme 2023. Collection method: clinical testing. Allele origin: germline.
Comment: The p.Q139R variant (also known as c.416A>G), located in coding exon 2 of the CYP27A1 gene, results from an A to G substitution at nucleotide position 416. The glutamine at codon 139 is replaced by arginine, an amino acid with highly similar properties. This amino acid position is conserved. In addition, this alteration is predicted to be tolerated by in silico analysis. Since supporting evidence is limited at this time, the clinical significance of this alteration remains unclear.

Labcorp Genetics (formerly Invitae), Labcorp
Classification: Uncertain significance for Cholestanol storage disease. Last evaluated: 2022-07-12. Review status: criteria provided, single submitter. Criteria: Invitae Variant Classification Sherloc (09022015). Collection method: clinical testing. Allele origin: germline.
Comment: This sequence change replaces glutamine, which is neutral and polar, with arginine, which is basic and polar, at codon 139 of the CYP27A1 protein (p.Gln139Arg). This variant is not present in population databases (gnomAD no frequency). This variant has not been reported in the literature in individuals affected with CYP27A1-related conditions. ClinVar contains an entry for this variant (Variation ID: 1347727). Advanced modeling of protein sequence and biophysical properties (such as structural, functional, and spatial information, amino acid conservation, physicochemical variation, residue mobility, and thermodynamic stability) performed at Invitae indicates that this missense variant is not expected to disrupt CYP27A1 protein function. In summary, the available evidence is currently insufficient to determine the role of this variant in disease. Therefore, it has been classified as a Variant of Uncertain Significance.

GeneDx
Classification: Uncertain significance. Last evaluated: 2022-05-04. Review status: criteria provided, single submitter. Criteria: GeneDx Variant Classification Process June 2021. Collection method: clinical testing. Allele origin: germline. Affected: yes.
Comment: Not observed at significant frequency in large population cohorts (gnomAD); In silico analysis supports that this missense variant does not alter protein structure/function; Has not been previously published as pathogenic or benign to our knowledge